The following is an entry in ClinVar:

ClinVar aggregate classification (germline): Uncertain significance. Review status: criteria provided, multiple submitters, no conflicts (2 of 4 stars). 3 submissions from 3 submitters: Uncertain significance (3). Last evaluated 2025-11-10.

Conditions:
Hereditary nonpolyposis colorectal neoplasms. Identifiers: MedGen C0009405, MeSH D003123.
Hereditary cancer-predisposing syndrome. Also called: Hereditary Cancer Syndrome; Neoplastic Syndromes, Hereditary; Hereditary neoplastic syndrome; Tumor predisposition. Identifiers: Orphanet 140162, MedGen C0027672, MeSH D009386, MONDO:0015356.

Allele frequency attached by ClinVar (database versions not stated): TOPMed below 0.00001.
gnomAD v4.1: 1 of 1,614,208 alleles (0.000062%); highest among the groups gnomAD compares: Admixed American, 0.0017%; no homozygotes.

Submissions (3):

Labcorp Genetics (formerly Invitae), Labcorp
Classification: Uncertain significance for Hereditary nonpolyposis colorectal neoplasms. Last evaluated: 2025-11-10. Review status: criteria provided, single submitter. Criteria: Invitae Variant Classification Sherloc (09022015). Collection method: clinical testing. Allele origin: germline.
Comment: This sequence change replaces glutamic acid, which is acidic and polar, with alanine, which is neutral and non-polar, at codon 411 of the PMS2 protein (p.Glu411Ala). This variant is present in population databases (rs587782832, gnomAD 0.003%). This variant has not been reported in the literature in individuals affected with PMS2-related conditions. ClinVar contains an entry for this variant (Variation ID: 142936). Invitae Evidence Modeling incorporating data from in vitro experimental studies (internal data) indicates that this missense variant is not expected to disrupt PMS2 function with a negative predictive value of 95%. In summary, the available evidence is currently insufficient to determine the role of this variant in disease. Therefore, it has been classified as a Variant of Uncertain Significance.

Ambry Genetics
Classification: Uncertain significance for Hereditary cancer-predisposing syndrome. Last evaluated: 2024-11-06. Review status: criteria provided, single submitter. Criteria: Ambry Variant Classification Scheme 2023. Collection method: clinical testing. Allele origin: germline.
Comment: The p.E411A variant (also known as c.1232A>C), located in coding exon 11 of the PMS2 gene, results from an A to C substitution at nucleotide position 1232. The glutamic acid at codon 411 is replaced by alanine, an amino acid with dissimilar properties. This amino acid position is not well conserved in available vertebrate species. In addition, this alteration is predicted to be tolerated by in silico analysis. Since supporting evidence is limited at this time, the clinical significance of this alteration remains unclear.

Quest Diagnostics Nichols Institute San Juan Capistrano
Classification: Uncertain significance. Last evaluated: 2023-02-15. Review status: criteria provided, single submitter. Criteria: Quest Diagnostics criteria. Collection method: clinical testing. Allele origin: unknown.
Comment: The variant has not been reported in the published literature. The frequency of this variant in the general population, 0.000004 (1/250784 chromosomes), is uninformative in assessment of its pathogenicity. Analysis of this variant using bioinformatics tools for the prediction of the effect of amino acid changes on protein structure and function yielded predictions that this variant is benign. Based on the available information, we are unable to determine the clinical significance of this variant.

NM_000535.7(PMS2):c.1232A>C (p.Glu411Ala)

Gene: PMS2 (PMS1 homolog 2, mismatch repair system component; minus strand). Cytogenetic location: 7p22.1.
Variant type: single nucleotide variant.
Coding change: c.1232A>C on transcript NM_000535.7 (MANE Select); coding-DNA position 1232, A replaced by C.
Protein change: p.Glu411Ala; replaces glutamic acid 411 with alanine.
Molecular consequence: missense variant. On other transcripts: non-coding transcript variant (1).
Genome position (GRCh38, 1-based): chr7:5,987,533, T>G on the plus strand (A>C on the coding strand, the complement: PMS2 is on the minus strand). VCF-style: chr7-5987533-T-G. GRCh37 (hg19) VCF-style: chr7-6027164-T-G.
Other names: c.827A>C, p.Glu276Ala (NM_001322003.2, NM_001322004.2, NM_001322005.2 and 1 more transcripts); c.1076A>C, p.Glu359Ala (NM_001322006.2); c.914A>C, p.Glu305Ala (NM_001322007.2, NM_001322008.2); c.671A>C, p.Glu224Ala (NM_001322010.2); c.299A>C, p.Glu100Ala (NM_001322011.2, NM_001322012.2); c.659A>C, p.Glu220Ala (NM_001322013.2); c.1232A>C, p.Glu411Ala (NM_001322014.2); c.923A>C, p.Glu308Ala (NM_001322015.2); and 1 more; short protein forms E411A, E224A, E100A, E220A, E359A, E276A, E305A, E308A.
Identifiers: ClinVar variation 142936 (VCV000142936.16), dbSNP rs587782832, ClinGen allele CA009363.